The following is an entry in ClinVar:

NM_002465.4(MYBPC1):c.2013C>T (p.Asp671=)

Gene: MYBPC1 (myosin binding protein C1; plus strand). Cytogenetic location: 12q23.2.
Variant type: single nucleotide variant.
Coding change: c.2013C>T on transcript NM_002465.4 (MANE Select); coding-DNA position 2013, C replaced by T.
Protein change: p.Asp671=; no amino-acid change (aspartic acid 671 retained).
Molecular consequence: synonymous variant.
Genome position (GRCh38, 1-based): chr12:101,661,243, C>T. VCF-style: chr12-101661243-C-T. GRCh37 (hg19) VCF-style: chr12-102055021-C-T.
Other names: c.1938C>T, p.Asp646= (NM_001254718.3, NM_001254719.3, NM_206820.4 and 1 more transcripts); c.1902C>T, p.Asp634= (NM_001254720.3); c.1881C>T, p.Asp627= (NM_001254721.3, NM_001404676.1, NM_001404678.1); c.1860C>T, p.Asp620= (NM_001254722.3, NM_001404680.1); c.1899C>T, p.Asp633= (NM_001254723.3); c.2013C>T, p.Asp671= (NM_001404675.1, NM_206819.4); c.1803C>T, p.Asp601= (NM_001404677.1, NM_001404679.1, NM_001404681.1).
Identifiers: ClinVar variation 306739 (VCV000306739.11), dbSNP rs149779416, ClinGen allele CA6744946.

ClinVar aggregate classification (germline): Benign. Review status: criteria provided, multiple submitters, no conflicts (2 of 4 stars). 2 submissions from 2 submitters: Benign (2). Last evaluated 2019-12-31.

Conditions:
Arthrogryposis, distal, type 1B. Identifiers: Orphanet 1146, MedGen C3280526, MONDO:0013698, OMIM 614335.

Allele frequency attached by ClinVar (database versions not stated): ESP Exome Variant Server 0.00469; TOPMed 0.00375; 1000 Genomes Project 0.00539; 1000 Genomes Project 30x 0.00562.
gnomAD v4.1: 1,010 of 1,611,874 alleles (0.063%); highest among the groups gnomAD compares: African/African-American, 1.1%; 5 homozygotes.

Submissions (2):

Labcorp Genetics (formerly Invitae), Labcorp
Classification: Benign. Last evaluated: 2019-12-31. Review status: criteria provided, single submitter. Criteria: Invitae Variant Classification Sherloc (09022015). Collection method: clinical testing. Allele origin: germline.

Illumina Laboratory Services, Illumina
Classification: Benign for Arthrogryposis, distal, type 1B. Last evaluated: 2018-01-13. Review status: criteria provided, single submitter. Criteria: ICSL Variant Classification Criteria 13 December 2019. Collection method: clinical testing. Allele origin: germline.
Comment: This variant was observed in the ICSL laboratory as part of a predisposition screen in an ostensibly healthy population. It had not been previously curated by ICSL or reported in the Human Gene Mutation Database (HGMD: prior to June 1st, 2018), and was therefore a candidate for classification through an automated scoring system. Utilizing variant allele frequency, disease prevalence and penetrance estimates, and inheritance mode, an automated score was calculated to assess if this variant is too frequent to cause the disease. Based on the score and internal cut-off values, a variant classified as benign is not then subjected to further curation. The score for this variant resulted in a classification of benign for this disease.